The following is an entry in ClinVar:

NM_001199799.2(ILDR1):c.725C>T (p.Ala242Val)

Gene: ILDR1 (immunoglobulin like domain containing receptor 1; minus strand). Cytogenetic location: 3q13.33.
Variant type: single nucleotide variant.
Coding change: c.725C>T on transcript NM_001199799.2 (MANE Select); coding-DNA position 725, C replaced by T.
Protein change: p.Ala242Val; replaces alanine 242 with valine.
Molecular consequence: missense variant. On other transcripts: intron variant (1).
Genome position (GRCh38, 1-based): chr3:121,994,235, G>A on the plus strand (C>T on the coding strand, the complement: ILDR1 is on the minus strand). VCF-style: chr3-121994235-G-A. GRCh37 (hg19) VCF-style: chr3-121713082-G-A.
Other names: c.725C>T (NM_001199799.1); c.458C>T, p.Ala153Val (NM_001199800.2); c.647-265C>T (NM_175924.4); short protein forms A153V, A242V.
Identifiers: ClinVar variation 3388344 (VCV003388344.15).

ClinVar aggregate classification (germline): Uncertain significance. Review status: criteria provided, multiple submitters, no conflicts (2 of 4 stars). 2 submissions from 2 submitters: Uncertain significance (2). Last evaluated 2025-06-28.

gnomAD v4.1: 272 of 1,536,054 alleles (0.018%); highest among the groups gnomAD compares: African/African-American, 0.042%; no homozygotes.

Submissions (2):

GeneDx
Classification: Uncertain significance. Last evaluated: 2025-06-28. Review status: criteria provided, single submitter. Criteria: GeneDx Variant Classification Process June 2021. Collection method: clinical testing. Allele origin: germline. Affected: yes.
Comment: In silico analysis suggests that this missense variant does not alter protein structure/function; Has not been previously published as pathogenic or benign to our knowledge

CeGaT Center for Human Genetics Tuebingen
Classification: Uncertain significance. Last evaluated: 2024-11-01. Review status: criteria provided, single submitter. Criteria: CeGaT Center For Human Genetics Tuebingen Variant Classification Criteria Version 2. Collection method: clinical testing. Allele origin: germline. Affected: yes. Observed: 1 variant allele.
Comment: ILDR1: PM2:Supporting, BP4